The following is an entry in ClinVar:

ClinVar aggregate classification (germline): Likely benign. Review status: criteria provided, single submitter (1 of 4 stars). 2 submissions from 2 submitters: Likely benign (1). 1 of the submissions does not count toward it. Last evaluated 2024-02-05.

Conditions:
ATP8B1-related disorder. Also called: ATP8B1-related disorders; ATP8B1-related condition.

Allele frequency attached by ClinVar (database versions not stated): gnomAD exomes 0.00001; ExAC 0.00004; TOPMed 0.00008; gnomAD 0.00009; 1000 Genomes Project 0.00020; 1000 Genomes Project 30x 0.00031.
gnomAD v4.1: 32 of 1,591,952 alleles (0.002%); highest among the groups gnomAD compares: African/African-American, 0.027%; no homozygotes.

Submissions (2):

Labcorp Genetics (formerly Invitae), Labcorp
Classification: Likely benign. Last evaluated: 2024-02-05. Review status: criteria provided, single submitter. Criteria: Invitae Variant Classification Sherloc (09022015). Collection method: clinical testing. Allele origin: germline.

PreventionGenetics, part of Exact Sciences
Classification: Likely benign for ATP8B1-related condition. Last evaluated: 2021-04-27. Review status: no assertion criteria provided. Collection method: clinical testing. Allele origin: germline. Not counted in ClinVar's aggregate classification.
Comment: This variant is classified as likely benign based on ACMG/AMP sequence variant interpretation guidelines (Richards et al. 2015 PMID: 25741868, with internal and published modifications).

NM_001374385.1(ATP8B1):c.381T>C (p.Leu127=)

Gene: ATP8B1 (ATPase phospholipid transporting 8B1; minus strand). Cytogenetic location: 18q21.31.
Variant type: single nucleotide variant.
Coding change: c.381T>C on transcript NM_001374385.1 (MANE Select); coding-DNA position 381, T replaced by C.
Protein change: p.Leu127=; no amino-acid change (leucine 127 retained).
Molecular consequence: synonymous variant.
Genome position (GRCh38, 1-based): chr18:57,704,567, A>G on the plus strand (T>C on the coding strand, the complement: ATP8B1 is on the minus strand). VCF-style: chr18-57704567-A-G. GRCh37 (hg19) VCF-style: chr18-55371799-A-G.
Other names: c.381T>C (NM_005603.4); c.231T>C, p.Leu77= (NM_001374386.1); c.381T>C, p.Leu127= (NM_005603.6).
Identifiers: ClinVar variation 3005806 (VCV003005806.5), dbSNP rs545694602, ClinGen allele CA8974882.
Genomic context (GRCh38, chr18:57,704,567, plus strand): 5'-ATCGAGTCACTATAATTCAAACAGATTTAAGATAGCAAAGGGCATTACCTGTAAGATAAG[A>G]AGAGCCAGGAAATATAAATTGGCTGCTCTCTTAAACTGCTCAAACAGATTCATTGGTATA-3'
Protein context (NP_001361314.1, residues 117-137): KRAANLYFLA[Leu127=]LILQAVPQIS